The following is an entry in ClinVar:

ClinVar aggregate classification (germline): Uncertain significance. Review status: criteria provided, multiple submitters, no conflicts (2 of 4 stars). 3 submissions from 3 submitters: Uncertain significance (3). Last evaluated 2024-09-28.

Conditions:
Juvenile polyposis syndrome (JPS). Identifiers: Orphanet 2929, MedGen C0345893, MONDO:0017380, OMIM 174900.
Hereditary cancer-predisposing syndrome. Also called: Neoplastic Syndromes, Hereditary; Hereditary Cancer Syndrome; Hereditary neoplastic syndrome; Tumor predisposition. Identifiers: Orphanet 140162, MedGen C0027672, MeSH D009386, MONDO:0015356.
Juvenile polyposis/hereditary hemorrhagic telangiectasia syndrome (JPHT). Also called: POLYPOSIS, GENERALIZED JUVENILE, WITH PULMONARY ARTERIOVENOUS MALFORMATION; TELANGIECTASIA, HEREDITARY HEMORRHAGIC, WITH JUVENILE POLYPOSIS COLI; Juvenile Polyposis Syndrome / Hereditary Hemorrhagic Telangiectasia (JPS/HHT); JP/HHT SYNDROME; JUVENILE POLYPOSIS WITH HEREDITARY HEMORRHAGIC TELANGIECTASIA. Identifiers: Orphanet 2929, MedGen C1832942, MONDO:0008278, OMIM 175050.

Submissions (3):

Labcorp Genetics (formerly Invitae), Labcorp
Classification: Uncertain significance for Juvenile polyposis syndrome. Last evaluated: 2024-09-28. Review status: criteria provided, single submitter. Criteria: Invitae Variant Classification Sherloc (09022015). Collection method: clinical testing. Allele origin: germline.
Comment: This sequence change replaces valine, which is neutral and non-polar, with leucine, which is neutral and non-polar, at codon 465 of the SMAD4 protein (p.Val465Leu). This variant is not present in population databases (gnomAD no frequency). This variant has not been reported in the literature in individuals affected with SMAD4-related conditions. ClinVar contains an entry for this variant (Variation ID: 460537). Invitae Evidence Modeling of protein sequence and biophysical properties (such as structural, functional, and spatial information, amino acid conservation, physicochemical variation, residue mobility, and thermodynamic stability) has been performed for this missense variant. However, the output from this modeling did not meet the statistical confidence thresholds required to predict the impact of this variant on SMAD4 protein function. In summary, the available evidence is currently insufficient to determine the role of this variant in disease. Therefore, it has been classified as a Variant of Uncertain Significance.

Color Diagnostics, LLC DBA Color Health
Classification: Uncertain significance for Hereditary cancer-predisposing syndrome. Last evaluated: 2024-02-04. Review status: criteria provided, single submitter. Criteria: ACMG Guidelines, 2015. Collection method: clinical testing. Allele origin: germline.
Comment: This missense variant replaces valine with leucine at codon 465 of the SMAD4 protein. Computational prediction is inconclusive regarding the impact of this variant on protein structure and function (internally defined REVEL score threshold 0.5 < inconclusive < 0.7, PMID: 27666373). To our knowledge, functional studies have not been reported for this variant. This variant has not been reported in individuals affected with SMAD4-related disorders in the literature. This variant has not been identified in the general population by the Genome Aggregation Database (gnomAD). The available evidence is insufficient to determine the role of this variant in disease conclusively. Therefore, this variant is classified as a Variant of Uncertain Significance.

All of Us Research Program, National Institutes of Health
Classification: Uncertain significance for Juvenile polyposis/hereditary hemorrhagic telangiectasia syndrome. Last evaluated: 2023-06-26. Review status: criteria provided, single submitter. Criteria: ACMG Guidelines, 2015. Collection method: clinical testing. Allele origin: germline. Inheritance: Autosomal dominant inheritance. Observed: 2 variant alleles, 2 heterozygotes.
Comment: This missense variant replaces valine with leucine at codon 465 of the SMAD4 protein. Computational prediction is inconclusive regarding the impact of this variant on protein structure and function (internally defined REVEL score threshold 0.5 < inconclusive < 0.7, PMID: 27666373). To our knowledge, functional studies have not been reported for this variant. This variant has not been reported in individuals affected with SMAD4-related disorders in the literature. This variant has not been identified in the general population by the Genome Aggregation Database (gnomAD). The available evidence is insufficient to determine the role of this variant in disease conclusively. Therefore, this variant is classified as a Variant of Uncertain Significance.

This study involves interpretation of variants in research participants for the purpose of population health screening. Participant phenotype was not available at the time of variant classification. Additional details can be found in publication PMID: 35346344, PMCID: PMC8962531

NM_005359.6(SMAD4):c.1393G>T (p.Val465Leu)

Gene: SMAD4 (SMAD family member 4; plus strand). Cytogenetic location: 18q21.2.
Variant type: single nucleotide variant.
Coding change: c.1393G>T on transcript NM_005359.6 (MANE Select); coding-DNA position 1393, G replaced by T.
Protein change: p.Val465Leu; replaces valine 465 with leucine.
Molecular consequence: missense variant.
Genome position (GRCh38, 1-based): chr18:51,076,722, G>T. VCF-style: chr18-51076722-G-T. GRCh37 (hg19) VCF-style: chr18-48603092-G-T.
Other names: short protein forms V465L.
Identifiers: ClinVar variation 460537 (VCV000460537.12), dbSNP rs786201798, ClinGen allele CA402465285.